The following is an entry in ClinVar:

ClinVar aggregate classification (germline): Uncertain significance (1 of 4 stars; one submission).

Submission:

GeneDx
Classification: Uncertain significance. Last evaluated: 2023-02-08. Review status: criteria provided, single submitter. Criteria: GeneDx Variant Classification Process June 2021. Collection method: clinical testing. Allele origin: germline. Affected: yes.
Comment: Not observed at significant frequency in large population cohorts (gnomAD); In silico analysis supports that this missense variant has a deleterious effect on protein structure/function; Has not been previously published as pathogenic or benign to our knowledge

NM_023110.3(FGFR1):c.2208C>G (p.Cys736Trp)

Gene: FGFR1 (fibroblast growth factor receptor 1; minus strand). Cytogenetic location: 8p11.23.
Variant type: single nucleotide variant.
Coding change: c.2208C>G on transcript NM_023110.3 (MANE Select); coding-DNA position 2208, C replaced by G.
Protein change: p.Cys736Trp; replaces cysteine 736 with tryptophan.
Molecular consequence: missense variant.
Genome position (GRCh38, 1-based): chr8:38,414,002, G>C on the plus strand (C>G on the coding strand, the complement: FGFR1 is on the minus strand). VCF-style: chr8-38414002-G-C. GRCh37 (hg19) VCF-style: chr8-38271520-G-C.
Other names: c.2208C>G, p.Cys736Trp (NM_000604.2); c.2202C>G, p.Cys734Trp (NM_001174063.2, NM_001174065.2, NM_001354367.2 and 1 more transcripts); c.2178C>G, p.Cys726Trp (NM_001174064.2); c.1941C>G, p.Cys647Trp (NM_001174066.2, NM_023105.3); c.2301C>G, p.Cys767Trp (NM_001174067.2); c.1929C>G, p.Cys643Trp (NM_001354368.2); c.2196C>G, p.Cys732Trp (NM_001354369.2, NM_001410922.1); c.1935C>G, p.Cys645Trp (NM_001354370.2, NM_023106.3); short protein forms C643W, C645W, C647W, C726W, C732W, C734W, C736W, C767W.
Identifiers: ClinVar variation 2575790 (VCV002575790.1), dbSNP rs2150523048, ClinGen allele CA370728119.